The following is an entry in ClinVar:

NM_000092.5(COL4A4):c.3278C>A (p.Pro1093His)

Gene: COL4A4 (collagen type IV alpha 4 chain; minus strand). Cytogenetic location: 2q36.3.
Variant type: single nucleotide variant.
Coding change: c.3278C>A on transcript NM_000092.5 (MANE Select); coding-DNA position 3278, C replaced by A.
Protein change: p.Pro1093His; replaces proline 1093 with histidine.
Molecular consequence: missense variant.
Genome position (GRCh38, 1-based): chr2:227,047,486, G>T on the plus strand (C>A on the coding strand, the complement: COL4A4 is on the minus strand). VCF-style: chr2-227047486-G-T. GRCh37 (hg19) VCF-style: chr2-227912202-G-T.
Other names: short protein forms P1093H.
Identifiers: ClinVar variation 2635027 (VCV002635027.1), dbSNP rs1973129252, ClinGen allele CA350838635.
Genomic context (GRCh38, chr2:227,047,486, plus strand): 5'-CAAACTAAACTACTTTTTTTGTTTTAGTAAGAAAAATATGCAGCTATACCTGGACATCCA[G>T]GGCTACCTGGCTCACCCTTTGGACCAGGTGGACCAAAGTGACTGGCAGGGTCACCTTTGT-3'
Protein context (NP_000083.3, residues 1083-1103): PPGPKGEPGS[Pro1093His]GCPGHFGASG

ClinVar aggregate classification (germline): Uncertain significance (1 of 4 stars; one submission).

Conditions:
COL4A4-related disorder.

gnomAD v4.1: 1 of 1,613,536 alleles (0.000062%); no homozygotes.

Submission:

PreventionGenetics, part of Exact Sciences
Classification: Uncertain significance for COL4A4-related condition. Last evaluated: 2022-12-21. Review status: criteria provided, single submitter. Criteria: ACMG Guidelines, 2015. Collection method: clinical testing. Allele origin: germline.
Comment: The COL4A4 c.3278C>A variant is predicted to result in the amino acid substitution p.Pro1093His. To our knowledge, this variant has not been reported in the literature or in a large population database, indicating this variant is rare. At this time, the clinical significance of this variant is uncertain due to the absence of conclusive functional and genetic evidence.